The following is an entry in ClinVar:

NM_000264.5(PTCH1):c.646A>T (p.Met216Leu)

Gene: PTCH1 (patched 1; minus strand). Cytogenetic location: 9q22.32.
Variant type: single nucleotide variant.
Coding change: c.646A>T on transcript NM_000264.5 (MANE Select); coding-DNA position 646, A replaced by T.
Protein change: p.Met216Leu; replaces methionine 216 with leucine.
Molecular consequence: missense variant. On other transcripts: non-coding transcript variant (1).
Genome position (GRCh38, 1-based): chr9:95,482,142, T>A on the plus strand (A>T on the coding strand, the complement: PTCH1 is on the minus strand). VCF-style: chr9-95482142-T-A. GRCh37 (hg19) VCF-style: chr9-98244424-T-A.
Other names: c.448A>T, p.Met150Leu (NM_001083602.3, NM_001354919.2); c.643A>T, p.Met215Leu (NM_001083603.3); c.193A>T, p.Met65Leu (NM_001083604.3, NM_001083605.3, NM_001083606.3 and 1 more transcripts); c.646A>T, p.Met216Leu (NM_001354918.2); short protein forms M216L, M65L, M215L, M150L.
Identifiers: ClinVar variation 3939924 (VCV003939924.1).
Genomic context (GRCh38, chr9:95,482,142, plus strand): 5'-CACACTACTGGGGTGTTCCTGAGAAATTTTTGCCAACAAGAAGAAAATATACCTGATCCA[T>A]GTAACCTGTTTCTGTGATAAGCTCTCCTGATTTGTAACACAAATGTTCCAATTTCCACTG-3'
Protein context (NP_000255.2, residues 206-226): SGELITETGY[Met216Leu]DQIIEYLYPC

ClinVar aggregate classification (germline): Uncertain significance (1 of 4 stars; one submission).

Conditions:
Hereditary cancer-predisposing syndrome. Also called: Tumor predisposition; Hereditary neoplastic syndrome; Hereditary Cancer Syndrome; Neoplastic Syndromes, Hereditary. Identifiers: Orphanet 140162, MedGen C0027672, MeSH D009386, MONDO:0015356.

Submission:

Ambry Genetics
Classification: Uncertain significance for Hereditary cancer-predisposing syndrome. Last evaluated: 2025-03-16. Review status: criteria provided, single submitter. Criteria: Ambry Variant Classification Scheme 2023. Collection method: clinical testing. Allele origin: germline.
Comment: The p.M216L variant (also known as c.646A>T), located in coding exon 4 of the PTCH1 gene, results from an A to T substitution at nucleotide position 646. The methionine at codon 216 is replaced by leucine, an amino acid with highly similar properties. This amino acid position is conserved. In addition, the in silico prediction for this alteration is inconclusive. Based on the available evidence, the clinical significance of this variant remains unclear.